The following is an entry in ClinVar:

NM_201384.3(PLEC):c.7663G>A (p.Ala2555Thr)

Gene: PLEC (plectin; minus strand). Cytogenetic location: 8q24.3.
Variant type: single nucleotide variant.
Coding change: c.7663G>A on transcript NM_201384.3 (MANE Select); coding-DNA position 7663, G replaced by A.
Protein change: p.Ala2555Thr; replaces alanine 2555 with threonine.
Molecular consequence: missense variant.
Genome position (GRCh38, 1-based): chr8:143,922,158, C>T on the plus strand (G>A on the coding strand, the complement: PLEC is on the minus strand). VCF-style: chr8-143922158-C-T. GRCh37 (hg19) VCF-style: chr8-144996326-C-T.
Other names: c.7744G>A, p.Ala2582Thr (NM_000445.5); c.4363G>A, p.Ala1455Thr (NM_001410941.1); c.7621G>A, p.Ala2541Thr (NM_201378.4); c.7597G>A, p.Ala2533Thr (NM_201379.3); c.8074G>A, p.Ala2692Thr (NM_201380.4); c.7567G>A, p.Ala2523Thr (NM_201381.3); c.7663G>A, p.Ala2555Thr (NM_201382.4); c.7675G>A, p.Ala2559Thr (NM_201383.3); short protein forms A1455T, A2523T, A2533T, A2541T, A2555T, A2559T, A2582T, A2692T.
Identifiers: ClinVar variation 3748841 (VCV003748841.2).

ClinVar aggregate classification (germline): Uncertain significance (1 of 4 stars; one submission).

Conditions:
Epidermolysis bullosa simplex with nail dystrophy (EBS5D). Identifiers: MedGen C4225309, MONDO:0014661, OMIM 616487.
Autosomal recessive limb-girdle muscular dystrophy type 2Q (LGMDR17). Also called: MUSCULAR DYSTROPHY, LIMB-GIRDLE, AUTOSOMAL RECESSIVE 17. Identifiers: Orphanet 254361, MedGen C3150989, MONDO:0013390, OMIM 613723.
Epidermolysis bullosa simplex 5B, with muscular dystrophy (EBS5B). Also called: Epidermolysis bullosa simplex with muscular dystrophy; EPIDERMOLYSIS BULLOSA SIMPLEX AND LIMB-GIRDLE MUSCULAR DYSTROPHY. Identifiers: Orphanet 257, MedGen C2931072, MONDO:0009181, OMIM 226670.
Epidermolysis bullosa simplex 5C, with pyloric atresia (EBS5C). Also called: PLEC-Related Epidermolysis Bullosa with Pyloric Atresia; Epidermolysis bullosa simplex with pyloric atresia; PLEC1-Related Epidermolysis Bullosa with Pyloric Atresia. Identifiers: Orphanet 158684, MedGen C2677349, MONDO:0012807, OMIM 612138.
Epidermolysis bullosa simplex, Ogna type (EBS5A). Also called: Pidermolysis bullosa simplex 5A, Ogna type; EPIDERMOLYSIS BULLOSA SIMPLEX 5A, OGNA TYPE. Identifiers: Orphanet 79401, MedGen C0432317, MONDO:0007555, OMIM 131950.

Submission:

Labcorp Genetics (formerly Invitae), Labcorp
Classification: Uncertain significance for Autosomal recessive limb-girdle muscular dystrophy type 2Q; Epidermolysis bullosa simplex, Ogna type; Epidermolysis bullosa simplex with nail dystrophy; Epidermolysis bullosa simplex 5C, with pyloric atresia; Epidermolysis bullosa simplex 5B, with muscular dystrophy. Last evaluated: 2024-10-17. Review status: criteria provided, single submitter. Criteria: Invitae Variant Classification Sherloc (09022015). Collection method: clinical testing. Allele origin: germline.
Comment: This sequence change replaces alanine, which is neutral and non-polar, with threonine, which is neutral and polar, at codon 2582 of the PLEC protein (p.Ala2582Thr). This variant is not present in population databases (gnomAD no frequency). This variant has not been reported in the literature in individuals affected with PLEC-related conditions. Invitae Evidence Modeling of protein sequence and biophysical properties (such as structural, functional, and spatial information, amino acid conservation, physicochemical variation, residue mobility, and thermodynamic stability) has been performed for this missense variant. However, the output from this modeling did not meet the statistical confidence thresholds required to predict the impact of this variant on PLEC protein function. In summary, the available evidence is currently insufficient to determine the role of this variant in disease. Therefore, it has been classified as a Variant of Uncertain Significance.